The following is an entry in ClinVar:

NM_000530.8(MPZ):c.235A>G (p.Ile79Val)

Gene: MPZ (myelin protein zero; minus strand). Cytogenetic location: 1q23.3.
Variant type: single nucleotide variant.
Coding change: c.235A>G on transcript NM_000530.8 (MANE Select); coding-DNA position 235, A replaced by G.
Protein change: p.Ile79Val; replaces isoleucine 79 with valine.
Molecular consequence: missense variant.
Genome position (GRCh38, 1-based): chr1:161,306,921, T>C on the plus strand (A>G on the coding strand, the complement: MPZ is on the minus strand). VCF-style: chr1-161306921-T-C. GRCh37 (hg19) VCF-style: chr1-161276711-T-C.
Other names: c.235A>G, p.Ile79Val (NM_001315491.2); short protein forms I79V.
Identifiers: ClinVar variation 1718119 (VCV001718119.5), dbSNP rs2526239163, ClinGen allele CA343350115.

ClinVar aggregate classification (germline): Uncertain significance (1 of 4 stars; one submission).

Conditions:
Charcot-Marie-Tooth disease, type I (CMT1). Also called: Charcot-Marie-Tooth disease type 1; Charcot-Marie-Tooth, Type 1. Identifiers: Orphanet 65753, MedGen C0751036, MONDO:0019011.

Allele frequency attached by ClinVar (database versions not stated): gnomAD exomes below 0.00001.
gnomAD v4.1: 1 of 1,606,784 alleles (0.000062%); highest among the groups gnomAD compares: Non-Finnish European, 0.000085%; no homozygotes.

Submission:

Labcorp Genetics (formerly Invitae), Labcorp
Classification: Uncertain significance for Charcot-Marie-Tooth disease, type I. Last evaluated: 2024-10-23. Review status: criteria provided, single submitter. Criteria: Invitae Variant Classification Sherloc (09022015). Collection method: clinical testing. Allele origin: germline.
Comment: This sequence change replaces isoleucine, which is neutral and non-polar, with valine, which is neutral and non-polar, at codon 79 of the MPZ protein (p.Ile79Val). This variant is not present in population databases (gnomAD no frequency). This variant has not been reported in the literature in individuals affected with MPZ-related conditions. ClinVar contains an entry for this variant (Variation ID: 1718119). An algorithm developed to predict the effect of missense changes on protein structure and function (PolyPhen-2) suggests that this variant is likely to be tolerated. In summary, the available evidence is currently insufficient to determine the role of this variant in disease. Therefore, it has been classified as a Variant of Uncertain Significance.